The following is an entry in ClinVar:

NM_016252.4(BIRC6):c.13813C>A (p.Arg4605=)

Gene: BIRC6 (baculoviral IAP repeat containing 6; plus strand). Cytogenetic location: 2p22.3.
Variant type: single nucleotide variant.
Coding change: c.13813C>A on transcript NM_016252.4 (MANE Select); coding-DNA position 13813, C replaced by A.
Protein change: p.Arg4605=; no amino-acid change (arginine 4605 retained).
Molecular consequence: synonymous variant.
Genome position (GRCh38, 1-based): chr2:32,597,951, C>A. VCF-style: chr2-32597951-C-A. GRCh37 (hg19) VCF-style: chr2-32823018-C-A.
Other names: c.13810C>A, p.Arg4604= (NM_001378125.1).
Identifiers: ClinVar variation 791851 (VCV000791851.7), dbSNP rs34648875, ClinGen allele CA1605622.

ClinVar aggregate classification (germline): Benign. Review status: criteria provided, multiple submitters, no conflicts (2 of 4 stars). 3 submissions from 3 submitters: Benign (2). 1 of the submissions does not count toward it. Last evaluated 2019-12-31.

Conditions:
BIRC6-related disorder. Also called: BIRC6-related condition.

Allele frequency attached by ClinVar (database versions not stated): gnomAD exomes 0.00114 and 0.00327; ExAC 0.00429; 1000 Genomes Project 30x 0.01234; gnomAD 0.01276 and 0.01371; 1000 Genomes Project 0.01278; ESP Exome Variant Server 0.01384; TOPMed 0.01390.
gnomAD v4.1: 3,669 of 1,611,740 alleles (0.23%); highest among the groups gnomAD compares: African/African-American, 4.4%; 83 homozygotes.

Submissions (3):

Labcorp Genetics (formerly Invitae), Labcorp
Classification: Benign. Last evaluated: 2019-12-31. Review status: criteria provided, single submitter. Criteria: Invitae Variant Classification Sherloc (09022015). Collection method: clinical testing. Allele origin: germline.

Breakthrough Genomics
Classification: Benign. Review status: criteria provided, single submitter. Criteria: ACMG Guidelines, 2015. Collection method: not provided. Allele origin: germline. Inheritance: Unknown mechanism. Affected: yes.

PreventionGenetics, part of Exact Sciences
Classification: Benign for BIRC6-related condition. Last evaluated: 2019-07-10. Review status: no assertion criteria provided. Collection method: clinical testing. Allele origin: germline. Not counted in ClinVar's aggregate classification.
Comment: This variant is classified as benign based on ACMG/AMP sequence variant interpretation guidelines (Richards et al. 2015 PMID: 25741868, with internal and published modifications).